The following is an entry in ClinVar:

ClinVar aggregate classification (germline): Uncertain significance (0 of 4 stars; one submission).

Conditions:
PLXNA2-related disorder. Also called: PLXNA2-related condition.

gnomAD v4.1: 3 of 1,613,536 alleles (0.00019%); highest among the groups gnomAD compares: Admixed American, 0.0033%; no homozygotes.

Submission:

PreventionGenetics, part of Exact Sciences
Classification: Uncertain significance for PLXNA2-related condition. Last evaluated: 2024-09-04. Review status: no assertion criteria provided. Collection method: clinical testing. Allele origin: germline.
Comment: The PLXNA2 c.5436G>T variant is predicted to result in the amino acid substitution p.Glu1812Asp. To our knowledge, this variant has not been reported in the literature. This variant is reported in 0.00088% of alleles in individuals of European (Non-Finnish) descent in gnomAD. At this time, the clinical significance of this variant is uncertain due to the absence of conclusive functional and genetic evidence

NM_025179.4(PLXNA2):c.5436G>T (p.Glu1812Asp)

Gene: PLXNA2 (plexin A2; minus strand). Cytogenetic location: 1q32.2.
Variant type: single nucleotide variant.
Coding change: c.5436G>T on transcript NM_025179.4 (MANE Select); coding-DNA position 5436, G replaced by T.
Protein change: p.Glu1812Asp; replaces glutamic acid 1812 with aspartic acid.
Molecular consequence: missense variant.
Genome position (GRCh38, 1-based): chr1:208,028,832, C>A on the plus strand (G>T on the coding strand, the complement: PLXNA2 is on the minus strand). VCF-style: chr1-208028832-C-A. GRCh37 (hg19) VCF-style: chr1-208202177-C-A.
Other names: short protein forms E1812D.
Identifiers: ClinVar variation 3356844 (VCV003356844.1).